The following is an entry in ClinVar:

ClinVar aggregate classification (germline): Likely pathogenic. Review status: criteria provided, multiple submitters, no conflicts (2 of 4 stars). 2 submissions from 2 submitters: Likely pathogenic (2). Last evaluated 2026-08-08.

Conditions:
Dilated cardiomyopathy 1G (CMD1G). Identifiers: Orphanet 154, MedGen C1858763, MONDO:0011400, OMIM 604145.
Autosomal recessive limb-girdle muscular dystrophy type 2J (LGMDR10). Also called: MUSCULAR DYSTROPHY, LIMB-GIRDLE, AUTOSOMAL RECESSIVE 10; Limb-girdle muscular dystrophy, type 2J. Identifiers: Orphanet 140922, MedGen C1837342, MONDO:0012127, OMIM 608807.
Cardiovascular phenotype. Identifiers: MedGen CN230736.

Submissions (2):

Ambry Genetics
Classification: Likely pathogenic for Cardiovascular phenotype. Last evaluated: 2026-08-08. Review status: criteria provided, single submitter. Criteria: Ambry Variant Classification Scheme 2023. Collection method: clinical testing. Allele origin: germline.
Comment: The c.76874delG (p.G25625Vfs*57) alteration, located in exon 186 (coding exon 185) of the TTN gene, consists of a deletion of one nucleotide at position 76874, causing a translational frameshift with a predicted alternate stop codon after 57 amino acids. This variant is expected to result in loss of function by premature protein truncation or nonsense-mediated mRNA decay. This variant was not reported in population-based cohorts in the Genome Aggregation Database (gnomAD). This variant was reported in individual(s) with features consistent with noncompaction cardiomyopathy and dilated cardiomyopathy (Sedaghat-Hamedani, 2017; Ambry internal data). Note, this variant is also referred to as NM_001267550:c.104069delG, p.G34690fs in the literature. This exon is located in the M-band region of the N2-B isoform of the titin protein and is constitutively expressed in TTN transcripts (percent spliced in or PSI 100%). While truncating variants in TTN are present in 1-3% of the general population, truncating variants in the M-band have been reported in association with autosomal recessive titinopathies, primarily presenting with skeletal myopathy phenotypes (Ceyhan-Birsoy, 2013; De Cid, 2015). Truncating variants in coding exon 185 of the M-band of the N2-B isoform have also been specifically associated with autosomal dominant dilated cardiomyopathy (Vatta, 2025). More generally, TTN truncating variants encoded in constitutive exons (PSI >90%) have been found to be significantly associated with dilated cardiomyopathy (DCM) regardless of their position, although truncating variants in the A-band are the most common cause of DCM (Herman, 2012; Roberts, 2015; Schafer, 2017; Akhtar, 2020; Massier, 2025). Based on the available evidence, this alteration is classified as likely pathogenic.

Labcorp Genetics (formerly Invitae), Labcorp
Classification: Likely pathogenic for Dilated cardiomyopathy 1G; Autosomal recessive limb-girdle muscular dystrophy type 2J. Last evaluated: 2024-11-09. Review status: criteria provided, single submitter. Criteria: Invitae Variant Classification Sherloc (09022015). Collection method: clinical testing. Allele origin: germline.
Comment: This sequence change creates a premature translational stop signal (p.Gly34690Valfs*57) in the TTN gene. While this is not anticipated to result in nonsense mediated decay, it is expected to create a truncated TTN protein. This variant is not present in population databases (gnomAD no frequency). This premature translational stop signal has been observed in individual(s) with left ventricular non-compaction cardiomyopathy (PMID: 29029073). ClinVar contains an entry for this variant (Variation ID: 1067620). This variant is located in the M band of TTN (PMID: 25589632). Truncating variants in this region have been previously reported in individuals affected with autosomal dominant or autosomal recessive myopathy and muscular dystrophy (PMID: 18948003, 23975875, 24395473). Truncating variants in this region have also been identified in individuals affected with autosomal dominant dilated cardiomyopathy and/or cardio-related conditions (PMID: 27869827, 32964742, internal data). In summary, the currently available evidence indicates that the variant is pathogenic, but additional data are needed to prove that conclusively. Therefore, this variant has been classified as Likely Pathogenic.

Literature cited by the submitters: PubMed 22335739 (cited by Ambry Genetics); PubMed 23975875 (cited by Ambry Genetics and Labcorp Genetics (formerly Invitae), Labcorp); PubMed 25589632 (cited by Ambry Genetics and Labcorp Genetics (formerly Invitae), Labcorp); PubMed 26581302 (cited by Ambry Genetics); PubMed 27869827 (cited by Ambry Genetics and Labcorp Genetics (formerly Invitae), Labcorp); PubMed 29029073 (cited by Ambry Genetics and Labcorp Genetics (formerly Invitae), Labcorp); PubMed 32964742 (cited by Ambry Genetics and Labcorp Genetics (formerly Invitae), Labcorp); PubMed 39844436 (cited by Ambry Genetics); PubMed 39968638 (cited by Ambry Genetics); PubMed 18948003 (cited by Labcorp Genetics (formerly Invitae), Labcorp); PubMed 24395473 (cited by Labcorp Genetics (formerly Invitae), Labcorp).

NM_001267550.2(TTN):c.104069del (p.Gly34690fs)

Genes: TTN (titin; minus strand), TTN-AS1 (TTN antisense RNA 1; plus strand). Cytogenetic location: 2q31.2.
Variant type: Deletion.
Coding change: c.104069del on transcript NM_001267550.2 (MANE Select); coding-DNA position 104069, one base deleted (G; older notation c.104069delG).
Protein change: p.Gly34690fs; shifts the reading frame from glycine 34690.
Molecular consequence: frameshift variant.
Genome position (GRCh38, 1-based): chr2:178,532,546, C deleted on the plus strand (G on the coding strand, the reverse complement: TTN is on the minus strand); the first of 2 consecutive C bases (chr2:178,532,546-178,532,547); deleting either gives the same sequence. VCF-style (leftmost placement, unchanged base first): chr2-178532545-AC-A. GRCh37 (hg19) VCF-style: chr2-179397272-AC-A.
Other names: c.99146del, p.Gly33049fs (NM_001256850.1); c.76874del, p.Gly25625fs (NM_003319.4); c.96365del, p.Gly32122fs (NM_133378.4); c.77249del, p.Gly25750fs (NM_133432.3); c.77450del, p.Gly25817fs (NM_133437.4); c.76874delG (NM_003319.4); short protein forms G25625fs, G25750fs, G25817fs, G32122fs, G33049fs, G34690fs.
Identifiers: ClinVar variation 1067620 (VCV001067620.12), dbSNP rs2154134397, ClinGen allele CA2499215277.